The following is an entry in ClinVar:

ClinVar aggregate classification (germline): Uncertain significance. Review status: criteria provided, multiple submitters, no conflicts (2 of 4 stars). 2 submissions from 2 submitters: Uncertain significance (2). Last evaluated 2024-09-23.

Allele frequency attached by ClinVar (database versions not stated): gnomAD exomes 0.00002.

Submissions (2):

Labcorp Genetics (formerly Invitae), Labcorp
Classification: Uncertain significance. Last evaluated: 2024-09-23. Review status: criteria provided, single submitter. Criteria: Invitae Variant Classification Sherloc (09022015). Collection method: clinical testing. Allele origin: germline.
Comment: This sequence change affects the initiator methionine of the ADSSL1 mRNA. The next in-frame methionine is located at codon 249. This variant is present in population databases (rs80097179, gnomAD 0.04%). This variant has not been reported in the literature in individuals affected with ADSSL1-related conditions. ClinVar contains an entry for this variant (Variation ID: 1681872). Experimental studies and prediction algorithms are not available or were not evaluated, and the functional significance of this variant is currently unknown. In summary, the available evidence is currently insufficient to determine the role of this variant in disease. Therefore, it has been classified as a Variant of Uncertain Significance.

Breakthrough Genomics
Classification: Uncertain significance. Review status: criteria provided, single submitter. Criteria: ACMG Guidelines, 2015. Collection method: not provided. Allele origin: germline. Inheritance: Autosomal recessive inheritance. Affected: yes.

NM_152328.5(ADSS1):c.193-5127A>G

Gene: ADSS1 (adenylosuccinate synthase 1; plus strand). Cytogenetic location: 14q32.33.
Variant type: single nucleotide variant.
Coding change: c.193-5127A>G on transcript NM_152328.5 (MANE Select); 5127 bases into the intron before coding-DNA position 193, A replaced by G.
Molecular consequence: intron variant. On other transcripts: 5 prime UTR variant (1), missense variant (1), initiator codon variant (1).
Genome position (GRCh38, 1-based): chr14:104,729,893, A>G. VCF-style: chr14-104729893-A-G. GRCh37 (hg19) VCF-style: chr14-105196230-A-G.
Other names: c.-727A>G (NM_001320424.1); c.1A>G, p.Met1Val (NM_199165.2); short protein forms M1V.
Identifiers: ClinVar variation 1681872 (VCV001681872.7), dbSNP rs80097179, ClinGen allele CA267335104.